The following is an entry in ClinVar:

ClinVar aggregate classification (germline): Uncertain significance. Review status: criteria provided, multiple submitters, no conflicts (2 of 4 stars). 2 submissions from 2 submitters: Uncertain significance (2). Last evaluated 2025-09-01.

Conditions:
Inborn genetic diseases. Identifiers: MedGen C0950123, MeSH D030342.
Myofibrillar myopathy 3 (MFM3). Also called: Muscular dystrophy, proximal, type 1A; Autosomal dominant spheroid body myopathy. Identifiers: Orphanet 266, Orphanet 268129, MedGen C3714934, MONDO:0012215, OMIM 609200.

Allele frequency attached by ClinVar (database versions not stated): gnomAD 0.00001; gnomAD exomes 0.00003.

Submissions (2):

Labcorp Genetics (formerly Invitae), Labcorp
Classification: Uncertain significance for Myofibrillar myopathy 3. Last evaluated: 2025-09-01. Review status: criteria provided, single submitter. Criteria: Invitae Variant Classification Sherloc (09022015). Collection method: clinical testing. Allele origin: germline.
Comment: This sequence change replaces leucine, which is neutral and non-polar, with proline, which is neutral and non-polar, at codon 380 of the MYOT protein (p.Leu380Pro). This variant is not present in population databases (gnomAD no frequency). This variant has not been reported in the literature in individuals affected with MYOT-related conditions. ClinVar contains an entry for this variant (Variation ID: 650010). Invitae Evidence Modeling of protein sequence and biophysical properties (such as structural, functional, and spatial information, amino acid conservation, physicochemical variation, residue mobility, and thermodynamic stability) indicates that this missense variant is not expected to disrupt MYOT protein function with a negative predictive value of 80%. In summary, the available evidence is currently insufficient to determine the role of this variant in disease. Therefore, it has been classified as a Variant of Uncertain Significance.

Ambry Genetics
Classification: Uncertain significance for Inborn genetic diseases. Last evaluated: 2024-12-06. Review status: criteria provided, single submitter. Criteria: Ambry Variant Classification Scheme 2023. Collection method: clinical testing. Allele origin: germline.

NM_006790.3(MYOT):c.1139T>C (p.Leu380Pro)

Genes: PKD2L2-DT (PKD2L2 divergent transcript; minus strand), MYOT (myotilin; plus strand). Cytogenetic location: 5q31.2.
Variant type: single nucleotide variant.
Coding change: c.1139T>C on transcript NM_006790.3 (MANE Select); coding-DNA position 1139, T replaced by C.
Protein change: p.Leu380Pro; replaces leucine 380 with proline.
Molecular consequence: missense variant.
Genome position (GRCh38, 1-based): chr5:137,886,162, T>C. VCF-style: chr5-137886162-T-C. GRCh37 (hg19) VCF-style: chr5-137221851-T-C.
Other names: c.587T>C, p.Leu196Pro (NM_001135940.2); c.794T>C, p.Leu265Pro (NM_001300911.2); short protein forms L196P, L265P, L380P.
Identifiers: ClinVar variation 650010 (VCV000650010.10), dbSNP rs902179316, ClinGen allele CA128107529.